The following is an entry in ClinVar:

NM_198904.4(GABRG2):c.653T>C (p.Ile218Thr)

Gene: GABRG2 (gamma-aminobutyric acid type A receptor subunit gamma2; plus strand). Cytogenetic location: 5q34.
Variant type: single nucleotide variant.
Coding change: c.653T>C on transcript NM_198904.4 (MANE Select); coding-DNA position 653, T replaced by C.
Protein change: p.Ile218Thr; replaces isoleucine 218 with threonine.
Molecular consequence: missense variant.
Genome position (GRCh38, 1-based): chr5:162,103,910, T>C. VCF-style: chr5-162103910-T-C. GRCh37 (hg19) VCF-style: chr5-161530916-T-C.
Other names: c.653T>C, p.Ile218Thr (NM_000816.3, NM_001375340.1, NM_001375341.1 and 2 more transcripts); c.644T>C, p.Ile215Thr (NM_001375339.1); c.773T>C, p.Ile258Thr (NM_001375343.1, NM_198903.2); c.587T>C, p.Ile196Thr (NM_001375345.1, NM_001375346.1); c.566T>C, p.Ile189Thr (NM_001375347.1); c.233T>C, p.Ile78Thr (NM_001375348.1, NM_001375350.1); c.368T>C, p.Ile123Thr (NM_001375349.1); short protein forms I123T, I189T, I196T, I215T, I218T, I258T, I78T.
Identifiers: ClinVar variation 3753883 (VCV003753883.2).
Genomic context (GRCh38, chr5:162,103,910, plus strand): 5'-ATAATCATTTTTAATGTGAGCTTTCCTATCTCACGGCAGATGGCTATCCACGTGAAGAAA[T>C]TGTTTATCAATGGAAGCGAAGTTCTGTTGAAGTGGGCGACACAAGATCCTGGAGGCTTTA-3'
Protein context (NP_944494.1, residues 208-228): FSSYGYPREE[Ile218Thr]VYQWKRSSVE

ClinVar aggregate classification (germline): Uncertain significance (1 of 4 stars; one submission).

Conditions:
Febrile seizures, familial, 8 (FEB8). Also called: CONVULSIONS, FAMILIAL FEBRILE, 8. Identifiers: Orphanet 36387, MedGen C1969810, MONDO:0011891, OMIM 607681.
EPILEPSY, CHILDHOOD ABSENCE, SUSCEPTIBILITY TO, 2 (ECA2). Identifiers: Orphanet 64280, MedGen C1843244, OMIM 607681.

Submission:

Labcorp Genetics (formerly Invitae), Labcorp
Classification: Uncertain significance for Febrile seizures, familial, 8; EPILEPSY, CHILDHOOD ABSENCE, SUSCEPTIBILITY TO, 2. Last evaluated: 2025-07-30. Review status: criteria provided, single submitter. Criteria: Invitae Variant Classification Sherloc (09022015). Collection method: clinical testing. Allele origin: germline.
Comment: This sequence change replaces isoleucine, which is neutral and non-polar, with threonine, which is neutral and polar, at codon 218 of the GABRG2 protein (p.Ile218Thr). This variant is not present in population databases (gnomAD no frequency). This missense change has been observed in individual(s) with GABRG2-related conditions (internal data). ClinVar contains an entry for this variant (Variation ID: 3753883). Invitae Evidence Modeling of protein sequence and biophysical properties (such as structural, functional, and spatial information, amino acid conservation, physicochemical variation, residue mobility, and thermodynamic stability) indicates that this missense variant is expected to disrupt GABRG2 protein function with a positive predictive value of 95%. This variant disrupts the p.Ile218 amino acid residue in GABRG2. Other variant(s) that disrupt this residue have been observed in individuals with GABRG2-related conditions (PMID: 28199897), which suggests that this may be a clinically significant amino acid residue. In summary, the available evidence is currently insufficient to determine the role of this variant in disease. Therefore, it has been classified as a Variant of Uncertain Significance.

Literature cited by the submitters: PubMed 28199897.